The following is an entry in ClinVar:

ClinVar aggregate classification (germline): Pathogenic (1 of 4 stars; one submission).

Conditions:
Polycystic kidney disease, adult type (PKD1). Also called: Polycystic Kidney, Autosomal Dominant; POLYCYSTIC KIDNEY DISEASE, ADULT, TYPE I; Polycystic Kidney Disease 1, Autosomal Dominant; Polycystic kidney disease 1; Polycystic kidney disease 1, severe; POLYCYSTIC KIDNEY DISEASE 1 WITH OR WITHOUT POLYCYSTIC LIVER DISEASE. Identifiers: MedGen C3149841, MONDO:0008263, OMIM 173900.

Submission:

MVZ Medizinische Genetik Mainz
Classification: Pathogenic for Polycystic kidney disease, adult type. Last evaluated: 2025-09-18. Review status: criteria provided, single submitter. Criteria: UK Practice Guidelines For Variant Classification V4 01 2020. Collection method: clinical testing. Allele origin: germline. Inheritance: Autosomal dominant inheritance. Affected: yes. Observed: 1 variant allele.
Comment: ACMG Criteria: PVS1,PM2_SUP,PP4

NM_001009944.3(PKD1):c.10322_10337del (p.Gln3441fs)

Gene: PKD1 (polycystin 1, transient receptor potential channel interacting; minus strand). Cytogenetic location: 16p13.3.
Variant type: Deletion.
Coding change: c.10322_10337del on transcript NM_001009944.3 (MANE Select); coding-DNA positions 10322 to 10337, 16 bases deleted (AGGCGGGCCATGGGCT).
Protein change: p.Gln3441fs; shifts the reading frame from glutamine 3441.
Molecular consequence: frameshift variant.
Genome position (GRCh38, 1-based): chr16:2,097,387-2,097,402, AGCCCATGGCCCGCCT deleted on the plus strand (AGGCGGGCCATGGGCT on the coding strand, the reverse complement: PKD1 is on the minus strand). VCF-style (leftmost placement, unchanged base first): chr16-2097386-CAGCCCATGGCCCGCCT-C. GRCh37 (hg19) VCF-style: chr16-2147387-CAGCCCATGGCCCGCCT-C.
Other names: c.10319_10334del, p.Gln3440fs (NM_000296.4); short protein forms Q3440fs, Q3441fs.
Identifiers: ClinVar variation 4526545 (VCV004526545.1).